The following is an entry in ClinVar:

ClinVar aggregate classification (germline): Uncertain significance (1 of 4 stars; one submission).

Conditions:
MC1R-related disorder. Also called: MC1R-related condition.

Submission:

PreventionGenetics, part of Exact Sciences
Classification: Uncertain significance for MC1R-related condition. Last evaluated: 2023-06-19. Review status: criteria provided, single submitter. Criteria: ACMG Guidelines, 2015. Collection method: clinical testing. Allele origin: germline.
Comment: The MC1R c.372delC variant is predicted to result in a frameshift and premature protein termination (p.Cys125Alafs*32). To our knowledge, this variant has not been reported in the literature or in a large population database, indicating this variant is rare. Several MC1R loss-of-function variants have been reported in association with melanoma to date (Human Gene Mutation Database); however, loss-of-function is not a conclusively established mechanism for MC1R-related disease. Although we suspect that this variant may be pathogenic, at this time, the clinical significance of this variant is uncertain due to the absence of conclusive functional and genetic evidence.

NM_002386.4(MC1R):c.372del (p.Cys125fs)

Gene: MC1R (melanocortin 1 receptor; plus strand). Cytogenetic location: 16q24.3.
Variant type: Deletion.
Coding change: c.372del on transcript NM_002386.4 (MANE Select); coding-DNA position 372, one base deleted (C; older notation c.372delC).
Protein change: p.Cys125fs; shifts the reading frame from cysteine 125.
Molecular consequence: frameshift variant.
Genome position (GRCh38, 1-based): chr16:89,919,630, C deleted; the last of 2 consecutive C bases (chr16:89,919,629-89,919,630); deleting either gives the same sequence. VCF-style (leftmost placement, unchanged base first): chr16-89919628-AC-A. GRCh37 (hg19) VCF-style: chr16-89986036-AC-A.
Other names: short protein forms C125fs.
Identifiers: ClinVar variation 2632363 (VCV002632363.1), dbSNP rs2045694978, ClinGen allele CA2242009491.
Genomic context (GRCh38, chr16:89,919,628, plus strand): 5'-GGTGCACTGGTGGCCCGGGCTGCGGTGCTGCAGCAGCTGGACAATGTCATTGACGTGATC[AC>A]CTGCAGCTCCATGCTGTCCAGCCTCTGCTTCCTGGGCGCCATCGCCGTGGACCGCTACAT-3'